The following is an entry in ClinVar:

NM_004991.4(MECOM):c.865A>G (p.Arg289Gly)

Gene: MECOM (MDS1 and EVI1 complex locus; minus strand). Cytogenetic location: 3q26.2.
Variant type: single nucleotide variant.
Coding change: c.865A>G on transcript NM_004991.4 (MANE Select); coding-DNA position 865, A replaced by G.
Protein change: p.Arg289Gly; replaces arginine 289 with glycine.
Molecular consequence: missense variant.
Genome position (GRCh38, 1-based): chr3:169,122,693, T>C on the plus strand (A>G on the coding strand, the complement: MECOM is on the minus strand). VCF-style: chr3-169122693-T-C. GRCh37 (hg19) VCF-style: chr3-168840481-T-C.
Other names: c.493A>G, p.Arg165Gly (NM_001105077.4); c.301A>G, p.Arg101Gly (NM_001105078.4, NM_001163999.2, NM_001164000.2 and 9 more transcripts); c.865A>G, p.Arg289Gly (NM_001366466.2, NM_001366473.2); short protein forms R101G, R289G, R165G.
Identifiers: ClinVar variation 3394279 (VCV003394279.1).

ClinVar aggregate classification (germline): Uncertain significance (1 of 4 stars; one submission).

Conditions:
Inborn genetic diseases. Identifiers: MedGen C0950123, MeSH D030342.

Submission:

Ambry Genetics
Classification: Uncertain significance for Inborn genetic diseases. Last evaluated: 2024-11-22. Review status: criteria provided, single submitter. Criteria: Ambry Variant Classification Scheme 2023. Collection method: clinical testing. Allele origin: germline.
Comment: The p.R289G variant (also known as c.865A>G), located in coding exon 6 of the MECOM gene, results from an A to G substitution at nucleotide position 865. The arginine at codon 289 is replaced by glycine, an amino acid with dissimilar properties. This amino acid position is conserved. In addition, the in silico prediction for this alteration is inconclusive. Based on the available evidence, the clinical significance of this variant remains unclear.